The following is an entry in ClinVar:

ClinVar aggregate classification (germline): Pathogenic (1 of 4 stars; one submission).

Conditions:
Hereditary cancer-predisposing syndrome. Also called: Hereditary Cancer Syndrome; Hereditary neoplastic syndrome; Tumor predisposition; Neoplastic Syndromes, Hereditary. Identifiers: Orphanet 140162, MedGen C0027672, MeSH D009386, MONDO:0015356.

Submission:

Ambry Genetics
Classification: Pathogenic for Hereditary cancer-predisposing syndrome. Last evaluated: 2022-07-06. Review status: criteria provided, single submitter. Criteria: Ambry Variant Classification Scheme 2023. Collection method: clinical testing. Allele origin: germline.
Comment: The c.2264delC pathogenic mutation, located in coding exon 15 of the BRIP1 gene, results from a deletion of one nucleotide at nucleotide position 2264, causing a translational frameshift with a predicted alternate stop codon (p.A755Vfs*4). This variant is considered to be rare based on population cohorts in the Genome Aggregation Database (gnomAD). This alteration is expected to result in loss of function by premature protein truncation or nonsense-mediated mRNA decay. As such, this alteration is interpreted as a disease-causing mutation.

NM_032043.3(BRIP1):c.2264del (p.Ala755fs)

Gene: BRIP1 (BRCA1 interacting DNA helicase 1; minus strand). Cytogenetic location: 17q23.2.
Variant type: Deletion.
Coding change: c.2264del on transcript NM_032043.3 (MANE Select); coding-DNA position 2264, one base deleted (C; older notation c.2264delC).
Protein change: p.Ala755fs; shifts the reading frame from alanine 755.
Molecular consequence: frameshift variant.
Genome position (GRCh38, 1-based): chr17:61,743,128, G deleted on the plus strand (C on the coding strand, the reverse complement: BRIP1 is on the minus strand). VCF-style (leftmost placement, unchanged base first): chr17-61743127-AG-A. GRCh37 (hg19) VCF-style: chr17-59820488-AG-A.
Other names: short protein forms A755fs.
Identifiers: ClinVar variation 1788683 (VCV001788683.2), dbSNP rs2544827966, ClinGen allele CA2580094469.